The following is an entry in ClinVar:

ClinVar aggregate classification (germline): Pathogenic (1 of 4 stars; one submission).

Conditions:
Hereditary cancer-predisposing syndrome. Also called: Tumor predisposition; Neoplastic Syndromes, Hereditary; Hereditary Cancer Syndrome; Hereditary neoplastic syndrome. Identifiers: Orphanet 140162, MedGen C0027672, MeSH D009386, MONDO:0015356.

Submission:

Ambry Genetics
Classification: Pathogenic for Hereditary cancer-predisposing syndrome. Last evaluated: 2021-10-21. Review status: criteria provided, single submitter. Criteria: Ambry Variant Classification Scheme 2023. Collection method: clinical testing. Allele origin: germline.
Comment: The c.1130_1132delATGinsTT pathogenic mutation, located in coding exon 7 of the MSH3 gene, results from the deletion of 3 nucleotides and insertion of two nucleotides causing a translational frameshift with a predicted alternate stop codon (p.N377Ifs*38). This variant is considered to be rare based on population cohorts in the Genome Aggregation Database (gnomAD). This alteration is expected to result in loss of function by premature protein truncation or nonsense-mediated mRNA decay. As such, this alteration is interpreted as a disease-causing mutation.

NM_002439.5(MSH3):c.1130_1132delinsTT (p.Asn377fs)

Gene: MSH3 (mutS homolog 3; plus strand). Cytogenetic location: 5q14.1.
Variant type: Indel.
Coding change: c.1130_1132delinsTT on transcript NM_002439.5 (MANE Select); coding-DNA positions 1130 to 1132, ATG replaced by TT.
Protein change: p.Asn377fs; shifts the reading frame from asparagine 377.
Molecular consequence: frameshift variant.
Genome position (GRCh38, 1-based): chr5:80,675,085-80,675,087, ATG replaced by TT. VCF-style: chr5-80675085-ATG-TT. GRCh37 (hg19) VCF-style: chr5-79970904-ATG-TT.
Other names: short protein forms N377fs.
Identifiers: ClinVar variation 1728065 (VCV001728065.2), dbSNP rs2546724360, ClinGen allele CA2580073628.